The following is an entry in ClinVar:

ClinVar aggregate classification (germline): Uncertain significance (1 of 4 stars; one submission).

Allele frequency attached by ClinVar (database versions not stated): TOPMed 0.00001.

Submission:

Labcorp Genetics (formerly Invitae), Labcorp
Classification: Uncertain significance. Last evaluated: 2021-12-15. Review status: criteria provided, single submitter. Criteria: Invitae Variant Classification Sherloc (09022015). Collection method: clinical testing. Allele origin: germline.
Comment: Algorithms developed to predict the effect of missense changes on protein structure and function are either unavailable or do not agree on the potential impact of this missense change (SIFT: "Not Available"; PolyPhen-2: "Probably Damaging"; Align-GVGD: "Not Available"). In summary, the available evidence is currently insufficient to determine the role of this variant in disease. Therefore, it has been classified as a Variant of Uncertain Significance. This variant is not present in population databases (gnomAD no frequency). This variant has not been reported in the literature in individuals affected with VPS13D-related conditions. This sequence change replaces leucine, which is neutral and non-polar, with proline, which is neutral and non-polar, at codon 1912 of the VPS13D protein (p.Leu1912Pro).

NM_015378.4(VPS13D):c.5735T>C (p.Leu1912Pro)

Gene: VPS13D (vacuolar protein sorting 13 homolog D; plus strand). Cytogenetic location: 1p36.22.
Variant type: single nucleotide variant.
Coding change: c.5735T>C on transcript NM_015378.4 (MANE Select); coding-DNA position 5735, T replaced by C.
Protein change: p.Leu1912Pro; replaces leucine 1912 with proline.
Molecular consequence: missense variant.
Genome position (GRCh38, 1-based): chr1:12,291,007, T>C. VCF-style: chr1-12291007-T-C. GRCh37 (hg19) VCF-style: chr1-12351064-T-C.
Other names: c.5735T>C, p.Leu1912Pro (NM_018156.4); short protein forms L1912P.
Identifiers: ClinVar variation 1376984 (VCV001376984.6), dbSNP rs1005459039, ClinGen allele CA18054610.